The following is an entry in ClinVar:

ClinVar aggregate classification (germline): Uncertain significance (1 of 4 stars; one submission).

Submission:

Women's Health and Genetics/Laboratory Corporation of America, LabCorp
Classification: Uncertain significance. Last evaluated: 2022-10-13. Review status: criteria provided, single submitter. Criteria: LabCorp Variant Classification Summary - May 2015. Collection method: clinical testing. Allele origin: germline.
Comment: Variant summary: The variant identified by MLPA or other technology involves the duplication of exons 1-7 in the TCTN2 gene. The exact breakpoint at the 5 prime end of this variant is unknown and therefore this duplication might extend upsream of the assayed region of the TCTN2 gene. A presumed nomenclature of c.(?_-129)_(891+1_892-1)dup has been designated for the purposes of this classification. It has been assumed that this is a tandem duplication in direct orientation (Richardson_GIM_2018, Newman_AJHG_2015). Since the exact breakpoints of this duplication are not known, it is not possible to predict if it causes an in-frame or an out-of-frame product. The variant was absent in 21694 control chromosomes. The available data on variant occurrences in the general population are insufficient to allow any conclusion about variant significance. To our knowledge, no occurrence of c.(?_-129)_(891+1_892-1)dup in individuals affected with Joubert Syndrome And Related Disorders and no experimental evidence demonstrating its impact on protein function have been reported. No clinical diagnostic laboratories have submitted clinical-significance assessments for this variant to ClinVar after 2014. Based on the evidence outlined above, the variant was classified as uncertain significance.

NC_000012.11:g.(?_124155659)_(124172725_124175079)dup

Gene: TCTN2 (tectonic family member 2; plus strand). Cytogenetic location: 12q24.31.
Variant type: Duplication.
Identifiers: ClinVar variation 1723315 (VCV001723315.1).